The following is an entry in ClinVar:

ClinVar aggregate classification (germline): Conflicting classifications of pathogenicity. Review status: criteria provided, conflicting classifications (1 of 4 stars). 5 submissions from 5 submitters: Uncertain significance (4); Likely benign (1). Last evaluated 2025-09-23.

Conditions:
Neuroblastoma, susceptibility to, 3. Also called: ALK-Related Neuroblastic Tumor Susceptibility. Identifiers: Orphanet 635, MedGen C2751681, MONDO:0013083, OMIM 613014.
Hereditary cancer-predisposing syndrome. Also called: Hereditary neoplastic syndrome; Neoplastic Syndromes, Hereditary; Tumor predisposition; Hereditary Cancer Syndrome. Identifiers: Orphanet 140162, MedGen C0027672, MeSH D009386, MONDO:0015356.

Allele frequency attached by ClinVar (database versions not stated): ExAC 0.00006; ESP Exome Variant Server 0.00008; gnomAD 0.00010 and 0.00011; TOPMed 0.00010; gnomAD exomes 0.00001 and 0.00003.
gnomAD v4.1: 28 of 1,614,036 alleles (0.0017%); highest among the groups gnomAD compares: African/African-American, 0.024%; no homozygotes.

Submissions (5):

Labcorp Genetics (formerly Invitae), Labcorp
Classification: Uncertain significance for Neuroblastoma, susceptibility to, 3. Last evaluated: 2025-09-23. Review status: criteria provided, single submitter. Criteria: Invitae Variant Classification Sherloc (09022015). Collection method: clinical testing. Allele origin: germline.
Comment: This sequence change replaces glutamic acid, which is acidic and polar, with lysine, which is basic and polar, at codon 370 of the ALK protein (p.Glu370Lys). This variant is present in population databases (rs373120394, gnomAD 0.03%). This variant has not been reported in the literature in individuals affected with ALK-related conditions. ClinVar contains an entry for this variant (Variation ID: 470735). An algorithm developed to predict the effect of missense changes on protein structure and function (PolyPhen-2) suggests that this variant is likely to be tolerated. In summary, the available evidence is currently insufficient to determine the role of this variant in disease. Therefore, it has been classified as a Variant of Uncertain Significance.

St. Jude Molecular Pathology, St. Jude Children's Research Hospital
Classification: Uncertain significance for Neuroblastoma, susceptibility to, 3. Last evaluated: 2025-06-17. Review status: criteria provided, single submitter. Criteria: St. Jude Assertion Criteria 2020. Collection method: clinical testing. Allele origin: germline.
Comment: The ALK c.1108G>A p.(Glu370Lys) missense change has a maximum subpopulation frequency of 0.028% in gnomAD v2.1.1. The in silico tool REVEL predicts a benign effect on protein function, but to our knowledge this prediction has not been confirmed by functional studies. To our knowledge, this variant has not been reported in the literature in individuals with ALK-related neuroblastic tumor susceptibility. In summary, the evidence currently available is insufficient to determine the clinical significance of this variant. It has therefore been classified as of uncertain significance.

Ambry Genetics
Classification: Likely benign for Hereditary cancer-predisposing syndrome. Last evaluated: 2024-12-11. Review status: criteria provided, single submitter. Criteria: Ambry Variant Classification Scheme 2023. Collection method: clinical testing. Allele origin: germline.

Fulgent Genetics
Classification: Uncertain significance for Neuroblastoma, susceptibility to, 3. Last evaluated: 2024-05-21. Review status: criteria provided, single submitter. Criteria: ACMG Guidelines, 2015. Collection method: clinical testing. Allele origin: germline.

GeneDx
Classification: Uncertain significance. Last evaluated: 2023-07-18. Review status: criteria provided, single submitter. Criteria: GeneDx Variant Classification Process June 2021. Collection method: clinical testing. Allele origin: germline. Affected: yes.
Comment: In silico analysis supports that this missense variant does not alter protein structure/function; Observed in a patient with endometrial cancer (Yehia et al., 2018); This variant is associated with the following publications: (PMID: 33084222, 29684080)

NM_004304.5(ALK):c.1108G>A (p.Glu370Lys)

Gene: ALK (ALK receptor tyrosine kinase; minus strand). Cytogenetic location: 2p23.2.
Variant type: single nucleotide variant.
Coding change: c.1108G>A on transcript NM_004304.5 (MANE Select); coding-DNA position 1108, G replaced by A.
Protein change: p.Glu370Lys; replaces glutamic acid 370 with lysine.
Molecular consequence: missense variant.
Genome position (GRCh38, 1-based): chr2:29,531,961, C>T on the plus strand (G>A on the coding strand, the complement: ALK is on the minus strand). VCF-style: chr2-29531961-C-T. GRCh37 (hg19) VCF-style: chr2-29754827-C-T.
Other names: short protein forms E370K.
Identifiers: ClinVar variation 470735 (VCV000470735.13), dbSNP rs373120394, ClinGen allele CA1594766.